The following is an entry in ClinVar:

ClinVar aggregate classification (germline): Conflicting classifications of pathogenicity. Review status: criteria provided, conflicting classifications (1 of 4 stars). 4 submissions from 4 submitters: Uncertain significance (3); Likely benign (1). Last evaluated 2025-11-16.

Conditions:
Adams-Oliver syndrome 5 (AOS5). Identifiers: Orphanet 974, MedGen C4014970, MONDO:0014459, OMIM 616028.
Familial thoracic aortic aneurysm and aortic dissection (TAAD). Also called: Thoracic aortic aneurysms and dissections. Identifiers: Orphanet 91387, MedGen C4707243, MONDO:0019625.

Allele frequency attached by ClinVar (database versions not stated): gnomAD exomes 0.00001 and 0.00003; TOPMed 0.00002; gnomAD 0.00003; ExAC 0.00005; 1000 Genomes Project 30x 0.00031.
gnomAD v4.1: 23 of 1,560,396 alleles (0.0015%); highest among the groups gnomAD compares: South Asian, 0.0083%; no homozygotes.

Submissions (4):

Labcorp Genetics (formerly Invitae), Labcorp
Classification: Likely benign for Adams-Oliver syndrome 5. Last evaluated: 2025-11-16. Review status: criteria provided, single submitter. Criteria: Invitae Variant Classification Sherloc (09022015). Collection method: clinical testing. Allele origin: germline.

Women's Health and Genetics/Laboratory Corporation of America, LabCorp
Classification: Uncertain significance. Last evaluated: 2024-04-01. Review status: criteria provided, single submitter. Criteria: LabCorp Variant Classification Summary - May 2015. Collection method: clinical testing. Allele origin: germline.
Comment: Variant summary: NOTCH1 c.2995G>A (p.Val999Met) results in a conservative amino acid change located in the EGF-like domain (IPR000742) of the encoded protein sequence. Four of five in-silico tools predict a damaging effect of the variant on protein function. The variant allele was found at a frequency of 1.5e-05 in 1560396 control chromosomes (gnomAD). This frequency is not significantly higher than estimated for a pathogenic variant in NOTCH1 causing Aortic Valve Disease (1.5e-05 vs 3.1e-05), allowing no conclusion about variant significance. c.2995G>A has been reported in the literature in a proband with hypoplastic left heart syndrome, the proband's sibling with aortic valve stenosis, and the father of the proband who had aortic valve stenosis and bicuspid aortic valve; however, the paternal grandmother of the proband also carried this variant and was unaffected (Gordon_2022). Therefore, these data do not allow any strong conclusion about variant significance. To our knowledge, no experimental evidence demonstrating an impact on protein function has been reported. The following publication has been ascertained in the context of this evaluation (PMID: 35737725). ClinVar contains an entry for this variant (Variation ID: 1036675). Based on the evidence outlined above, the variant was classified as uncertain significance.

Blueprint Genetics
Classification: Uncertain significance. Last evaluated: 2022-05-27. Review status: criteria provided, single submitter. Criteria: ACMG Guidelines, 2015. Collection method: clinical testing. Allele origin: germline.

Ambry Genetics
Classification: Uncertain significance for Familial thoracic aortic aneurysm and aortic dissection. Last evaluated: 2022-01-26. Review status: criteria provided, single submitter. Criteria: Ambry Variant Classification Scheme 2023. Collection method: clinical testing. Allele origin: germline.

Literature cited by the submitters: PubMed 35737725 (cited by Women's Health and Genetics/Laboratory Corporation of America, LabCorp).

NM_017617.5(NOTCH1):c.2995G>A (p.Val999Met)

Gene: NOTCH1 (notch receptor 1; minus strand). Cytogenetic location: 9q34.3.
Variant type: single nucleotide variant.
Coding change: c.2995G>A on transcript NM_017617.5 (MANE Select); coding-DNA position 2995, G replaced by A.
Protein change: p.Val999Met; replaces valine 999 with methionine.
Molecular consequence: missense variant.
Genome position (GRCh38, 1-based): chr9:136,509,046, C>T on the plus strand (G>A on the coding strand, the complement: NOTCH1 is on the minus strand). VCF-style: chr9-136509046-C-T. GRCh37 (hg19) VCF-style: chr9-139403498-C-T.
Other names: c.2995G>A (NM_017617.3); short protein forms V999M.
Identifiers: ClinVar variation 1036675 (VCV001036675.12), dbSNP rs756840659, ClinGen allele CA5341073.